The following is an entry in ClinVar:

NM_001909.5(CTSD):c.394G>A (p.Val132Met)

Gene: CTSD (cathepsin D; minus strand). Cytogenetic location: 11p15.5.
Variant type: single nucleotide variant.
Coding change: c.394G>A on transcript NM_001909.5 (MANE Select); coding-DNA position 394, G replaced by A.
Protein change: p.Val132Met; replaces valine 132 with methionine.
Molecular consequence: missense variant.
Genome position (GRCh38, 1-based): chr11:1,759,046, C>T on the plus strand (G>A on the coding strand, the complement: CTSD is on the minus strand). VCF-style: chr11-1759046-C-T. GRCh37 (hg19) VCF-style: chr11-1780276-C-T.
Other names: short protein forms V132M.
Identifiers: ClinVar variation 1435891 (VCV001435891.3), dbSNP rs770820791, ClinGen allele CA5814186.

ClinVar aggregate classification (germline): Uncertain significance (1 of 4 stars; one submission).

Conditions:
Neuronal ceroid lipofuscinosis. Also called: Neuronal Ceroid Lipofuscinoses. Identifiers: Orphanet 216, Orphanet 79263, MedGen C0027877, MONDO:0016295. Disease mechanism: loss of function.

Allele frequency attached by ClinVar (database versions not stated): gnomAD exomes below 0.00001; ExAC 0.00001.
gnomAD v4.1: 11 of 1,614,166 alleles (0.00068%); highest among the groups gnomAD compares: Non-Finnish European, 0.00093%; no homozygotes.

Submission:

Labcorp Genetics (formerly Invitae), Labcorp
Classification: Uncertain significance for Neuronal ceroid lipofuscinosis. Last evaluated: 2022-07-01. Review status: criteria provided, single submitter. Criteria: Invitae Variant Classification Sherloc (09022015). Collection method: clinical testing. Allele origin: germline.
Comment: This sequence change replaces valine, which is neutral and non-polar, with methionine, which is neutral and non-polar, at codon 132 of the CTSD protein (p.Val132Met). This variant is present in population databases (rs770820791, gnomAD 0.0009%). This variant has not been reported in the literature in individuals affected with CTSD-related conditions. ClinVar contains an entry for this variant (Variation ID: 1435891). Algorithms developed to predict the effect of missense changes on protein structure and function are either unavailable or do not agree on the potential impact of this missense change (SIFT: "Tolerated"; PolyPhen-2: "Probably Damaging"; Align-GVGD: "Class C0"). In summary, the available evidence is currently insufficient to determine the role of this variant in disease. Therefore, it has been classified as a Variant of Uncertain Significance.